The following is an entry in ClinVar:

ClinVar aggregate classification (germline): Uncertain significance (1 of 4 stars; one submission).

gnomAD v4.1: 3 of 1,614,036 alleles (0.00019%); highest among the groups gnomAD compares: Non-Finnish European, 0.00017%; no homozygotes.

Submission:

Labcorp Genetics (formerly Invitae), Labcorp
Classification: Uncertain significance. Last evaluated: 2024-01-14. Review status: criteria provided, single submitter. Criteria: Invitae Variant Classification Sherloc (09022015). Collection method: clinical testing. Allele origin: germline.
Comment: This sequence change replaces aspartic acid, which is acidic and polar, with asparagine, which is neutral and polar, at codon 501 of the LPIN1 protein (p.Asp501Asn). This variant is present in population databases (no rsID available, gnomAD 0.01%). This variant has not been reported in the literature in individuals affected with LPIN1-related conditions. Advanced modeling of protein sequence and biophysical properties (such as structural, functional, and spatial information, amino acid conservation, physicochemical variation, residue mobility, and thermodynamic stability) performed at Invitae indicates that this missense variant is not expected to disrupt LPIN1 protein function with a negative predictive value of 80%. In summary, the available evidence is currently insufficient to determine the role of this variant in disease. Therefore, it has been classified as a Variant of Uncertain Significance.

NM_001349206.2(LPIN1):c.1609G>A (p.Asp537Asn)

Gene: LPIN1 (lipin 1; plus strand). Cytogenetic location: 2p25.1.
Variant type: single nucleotide variant.
Coding change: c.1609G>A on transcript NM_001349206.2 (MANE Select); coding-DNA position 1609, G replaced by A.
Protein change: p.Asp537Asn; replaces aspartic acid 537 with asparagine.
Molecular consequence: missense variant. On other transcripts: non-coding transcript variant (1).
Genome position (GRCh38, 1-based): chr2:11,787,133, G>A. VCF-style: chr2-11787133-G-A. GRCh37 (hg19) VCF-style: chr2-11927259-G-A.
Other names: c.1519G>A, p.Asp507Asn (NM_001261427.3); c.1756G>A, p.Asp586Asn (NM_001261428.3); c.1501G>A, p.Asp501Asn (NM_001349199.2, NM_001349200.2, NM_001349201.2 and 1 more transcripts); c.1606G>A, p.Asp536Asn (NM_001349202.2, NM_001349203.2); c.1609G>A, p.Asp537Asn (NM_001349204.2, NM_001349205.2); c.1699G>A, p.Asp567Asn (NM_001349207.2); c.1648G>A, p.Asp550Asn (NM_001349208.2); short protein forms D501N, D507N, D550N, D567N, D586N, D536N, D537N.
Identifiers: ClinVar variation 2981284 (VCV002981284.3), dbSNP rs1323413182, ClinGen allele CA345857866.
Genomic context (GRCh38, chr2:11,787,133, plus strand): 5'-GATGCATTCCTGGAGCAAGCTGTGTCATATCAACAGTTTGTGGACAACCCCGCTATTATC[G>A]ATGACCCCAATCTCGTGGTAAAGATTGGGAGTAAGTAAGTACCTCTTGAAAGTCACTTTG-3'
Protein context (NP_001336135.1, residues 527-547): QQFVDNPAII[Asp537Asn]DPNLVVKIGS